The following is an entry in ClinVar:

ClinVar aggregate classification (germline): Pathogenic/Likely pathogenic. Review status: criteria provided, multiple submitters, no conflicts (2 of 4 stars). 8 submissions from 8 submitters: Pathogenic (2); Likely pathogenic (6). Last evaluated 2025-11-18.

Conditions:
Inborn genetic diseases. Identifiers: MedGen C0950123, MeSH D030342.
Congenital microcephaly - severe encephalopathy - progressive cerebral atrophy syndrome. Also called: Asparagine synthetase deficiency; ASNS DEFICIENCY. Identifiers: Orphanet 391376, MedGen C3809971, MONDO:0014258, OMIM 615574.

Allele frequency attached by ClinVar (database versions not stated): gnomAD 0.00001 and 0.00002; gnomAD exomes 0.00001; ExAC 0.00002; TOPMed 0.00002; 1000 Genomes Project 0.00020; 1000 Genomes Project 30x 0.00031.
gnomAD v4.1: 10 of 1,614,098 alleles (0.00062%); highest among the groups gnomAD compares: African/African-American, 0.004%; no homozygotes.

Submissions (8):

Natera, Inc.
Classification: Likely pathogenic for Asparagine synthetase deficiency. Last evaluated: 2025-11-18. Review status: criteria provided, single submitter. Criteria: Natera Variant Classification Schema (03/2026). Collection method: clinical testing. Allele origin: germline.
Comment: The c.1649G>A variant in ASNS is a missense variant predicted to cause substitution of arginine to histidine at amino acid 550. This variant is rare in the general population with a frequency below the threshold expected for the associated phenotype(s). This variant has been observed in one or more individuals affected with the associated recessive disease, as either homozygous or compound heterozygous with a second variant (PMID: 29405484). A different variant at the same position has been determined to be Pathogenic or Likely Pathogenic. Computational prediction algorithms indicate this variant is likely to affect gene or protein function. Given the available evidence, this variant is classified as Likely Pathogenic.

Laboratory of Genetics, Children's Clinical University Hospital Latvia
Classification: Pathogenic. Last evaluated: 2025-02-16. Review status: criteria provided, single submitter. Criteria: ACMG Guidelines, 2015. Collection method: clinical testing. Allele origin: germline. Affected: yes.

Fulgent Genetics
Classification: Likely pathogenic for Congenital microcephaly - severe encephalopathy - progressive cerebral atrophy syndrome. Last evaluated: 2024-04-09. Review status: criteria provided, single submitter. Criteria: ACMG Guidelines, 2015. Collection method: clinical testing. Allele origin: germline.

Labcorp Genetics (formerly Invitae), Labcorp
Classification: Pathogenic. Last evaluated: 2023-07-25. Review status: criteria provided, single submitter. Criteria: Invitae Variant Classification Sherloc (09022015). Collection method: clinical testing. Allele origin: germline.
Comment: Advanced modeling of protein sequence and biophysical properties (such as structural, functional, and spatial information, amino acid conservation, physicochemical variation, residue mobility, and thermodynamic stability) performed at Invitae indicates that this missense variant is expected to disrupt ASNS protein function. This sequence change replaces arginine, which is basic and polar, with histidine, which is basic and polar, at codon 550 of the ASNS protein (p.Arg550His). This variant is present in population databases (rs552452349, gnomAD 0.008%). This missense change has been observed in individuals with asparagine synthetase deficiency (PMID: 29405484, 32255274). ClinVar contains an entry for this variant (Variation ID: 800534). This variant disrupts the p.Arg550 amino acid residue in ASNS. Other variant(s) that disrupt this residue have been determined to be pathogenic (PMID: 24139043, 27522229). This suggests that this residue is clinically significant, and that variants that disrupt this residue are likely to be disease-causing. For these reasons, this variant has been classified as Pathogenic.

Ambry Genetics
Classification: Likely pathogenic for Inborn genetic diseases. Last evaluated: 2020-06-04. Review status: criteria provided, single submitter. Criteria: Ambry Variant Classification Scheme 2023. Collection method: clinical testing. Allele origin: germline.
Comment: The alteration results in an amino acid change:_x000D_ _x000D_ The c.1649G>A (p.R550H) alteration is located in exon 14 (coding exon 11) of the ASNS gene. This alteration results from a G to A substitution at nucleotide position 1649, causing the arginine (R) at amino acid position 550 to be replaced by a histidine (H). The alteration is rare in population databases:_x000D_ _x000D_ Based on data from the Genome Aggregation Database (gnomAD) database, the ASNS c.1649G>A alteration was observed in 0.001% (3/282746) of total alleles studied, with a frequency of 0.008% (2/24964) in the African subpopulation. The alteration has been observed in affected individuals: _x000D_ _x000D_ This alteration has been reported in multiple affected individuals, including in the homozygous state as well as in trans with a second alteration in ASNS; commonly reported features include microcephaly, developmental delay, seizures, spasticity, and abnormal brain MRI including atrophy and simplified gyral pattern (Faoucher, 2017; Galada, 2018; Wang, 2020). Biochemical features showed low plasma asparagine level in two patients and low CSF asparagine level in one patient reported by Faoucher, et al. (2017)._x000D_ _x000D_ Additionally, an alteration at the same codon, c.1648C>T (p.R550C), has been observed in affected individuals, including in the homozygous state in two affected siblings with severe developmental delay, progressive microcephaly, axial hypotonia with appendicular hypertonia, hyperreflexia, hyperekplexia, and decreased cerebral volume and simplified gyri on brain MRI (Ruzzo, 2013) and in trans with a second alteration in two siblings with severe epileptic encephalopathy, gyral simplification, and microcephaly (Zillhardt, 2016). The altered amino acid is conserved throughout evolution:_x000D_ _x000D_ The p.R550 amino acid is conserved in available vertebrate species. The alteration is predicted tolerated by in silico modeling:_x000D_ _x000D_ The p.R550H alteration is predicted to be tolerated by in silico analysis. Based on the available evidence, this alteration is classified as likely pathogenic.

Broad Center for Mendelian Genomics, Broad Institute of MIT and Harvard
Classification: Likely pathogenic for Congenital microcephaly - severe encephalopathy - progressive cerebral atrophy syndrome. Last evaluated: 2018-11-15. Review status: criteria provided, single submitter. Criteria: ACMG Guidelines, 2015. Collection method: research. Allele origin: germline. Inheritance: Autosomal recessive inheritance. Affected: yes.
Comment: This variant has been identified in the literature in the case of one homozygous affected proband (Galada et al. 2018; PMID: 29405484). Another homozygous affected proband was reported in the literature (Faoucher et al. 2017). This variant has been identified in <0.01% (2/24030) of African chromosomes by the Genome Aggregation Database (gnomAD; dbSNP rs552452349). Although this variant has been seen in the general population, its frequency is low enough to be consistent with a recessive carrier frequency. Computational prediction tools and conservation analyses suggest that this variant may impact the protein, though this information is not predictive enough to determine pathogenicity. In summary, although additional studies are required to fully establish its clinical significance, this variant is likely pathogenic.

Juno Genomics, Hangzhou Juno Genomics, Inc
Classification: Likely pathogenic for Congenital microcephaly - severe encephalopathy - progressive cerebral atrophy syndrome. Review status: criteria provided, single submitter. Criteria: ACMG Guidelines, 2015. Collection method: clinical testing. Allele origin: germline.
Comment: Absent from controls (or at extremely low frequency if recessive) in Genome Aggregation Database.;For recessive disorders, detected in trans with a pathogenic variant.;Co-segregation with disease in multiple affected family members.;Patient's phenotype or family history is highly specific for a disease with a single genetic etiology.;Novel missense change at an amino acid residue where a different missense change determined to be pathogenic has been seen before.

Kasturba Medical College, Manipal, Kasturba Medical College, Manipal, Manipal Academy of Higher Education, Manipal, India
Classification: Likely pathogenic for Congenital microcephaly - severe encephalopathy - progressive cerebral atrophy syndrome. Review status: criteria provided, single submitter. Criteria: ACMG Guidelines, 2015. Collection method: research. Allele origin: inherited. Affected: yes.

Literature cited by the submitters: PubMed 29405484 (cited by 4 submitters); PubMed 32255274 (cited by Labcorp Genetics (formerly Invitae), Labcorp and Ambry Genetics); PubMed 24139043 (cited by Labcorp Genetics (formerly Invitae), Labcorp and Ambry Genetics); PubMed 27522229 (cited by Labcorp Genetics (formerly Invitae), Labcorp); PubMed 26395554 (cited by Ambry Genetics); DOI 10.1016/j.ejpn.2017.04.928 (cited by Broad Center for Mendelian Genomics, Broad Institute of MIT and Harvard).

NM_001673.5(ASNS):c.1649G>A (p.Arg550His)

Genes: ASNS (asparagine synthetase (glutamine-hydrolyzing); minus strand), CZ1P-ASNS (CZ1P-ASNS readthrough; minus strand). Cytogenetic location: 7q21.3.
Variant type: single nucleotide variant.
Coding change: c.1649G>A on transcript NM_001673.5 (MANE Select); coding-DNA position 1649, G replaced by A.
Protein change: p.Arg550His; replaces arginine 550 with histidine.
Molecular consequence: missense variant. On other transcripts: non-coding transcript variant (1).
Genome position (GRCh38, 1-based): chr7:97,852,296, C>T on the plus strand (G>A on the coding strand, the complement: ASNS is on the minus strand). VCF-style: chr7-97852296-C-T. GRCh37 (hg19) VCF-style: chr7-97481608-C-T.
Other names: c.1586G>A, p.Arg529His (NM_001178075.2); c.1400G>A, p.Arg467His (NM_001178076.2, NM_001178077.1); c.1649G>A, p.Arg550His (NM_001352496.2, NM_133436.3, NM_183356.4); short protein forms R467H, R550H, R529H.
Identifiers: ClinVar variation 800534 (VCV000800534.21), dbSNP rs552452349, ClinGen allele CA4354461.
Genomic context (GRCh38, chr7:97,852,296, plus strand): 5'-TCACATTACAGCATAAAGACCACCTAAGCTTTGACAGCTGACTTGTAGTGGGTCAGCGTG[C>T]GGGCAGAAGGGTCAGTGGCATTGATCCACTTGGGCATCCAGTAATGGCTCAGCCAGTCAG-3'
Protein context (NP_001664.3, residues 540-560): KWINATDPSA[Arg550His]TLTHYKSAVK